The following is an entry in ClinVar:

ClinVar aggregate classification (germline): Uncertain significance (1 of 4 stars; one submission).

gnomAD v4.1: 7 of 1,549,366 alleles (0.00045%); highest among the groups gnomAD compares: Non-Finnish European, 0.00061%; no homozygotes.

Submission:

Women's Health and Genetics/Laboratory Corporation of America, LabCorp
Classification: Uncertain significance. Last evaluated: 2024-12-24. Review status: criteria provided, single submitter. Criteria: LabCorp Variant Classification Summary - May 2015. Collection method: clinical testing. Allele origin: germline.
Comment: Variant summary: CTDP1 c.2646G>C (p.Gln882His) results in a non-conservative amino acid change in the encoded protein sequence. Three of five in-silico tools predict a benign effect of the variant on protein function. The variant was absent in 155774 control chromosomes. The available data on variant occurrences in the general population are insufficient to allow any conclusion about variant significance. To our knowledge, no occurrence of c.2646G>C in individuals affected with Congenital cataracts-facial dysmorphism-neuropathy syndrome and no experimental evidence demonstrating its impact on protein function have been reported. No submitters have cited clinical-significance assessments for this variant to ClinVar. Based on the evidence outlined above, the variant was classified as uncertain significance.

NM_004715.5(CTDP1):c.2646G>C (p.Gln882His)

Gene: CTDP1 (CTD phosphatase subunit 1; plus strand). Cytogenetic location: 18q23.
Variant type: single nucleotide variant.
Coding change: c.2646G>C on transcript NM_004715.5 (MANE Select); coding-DNA position 2646, G replaced by C.
Protein change: p.Gln882His; replaces glutamine 882 with histidine.
Molecular consequence: missense variant. On other transcripts: intron variant (1).
Genome position (GRCh38, 1-based): chr18:79,736,420, G>C. VCF-style: chr18-79736420-G-C. GRCh37 (hg19) VCF-style: chr18-77496420-G-C.
Other names: c.2289G>C, p.Gln763His (NM_001202504.1); c.2483G>C, p.Arg828Thr (NM_048368.4); c.2580+7351G>C (NM_001318511.2); short protein forms Q763H, Q882H, R828T.
Identifiers: ClinVar variation 3768461 (VCV003768461.1).